The following is an entry in ClinVar:

NM_002693.3(POLG):c.3075G>A (p.Leu1025=)

Gene: POLG (DNA polymerase gamma, catalytic subunit; minus strand). Cytogenetic location: 15q26.1.
Variant type: single nucleotide variant.
Coding change: c.3075G>A on transcript NM_002693.3 (MANE Select); coding-DNA position 3075, G replaced by A.
Protein change: p.Leu1025=; no amino-acid change (leucine 1025 retained).
Molecular consequence: synonymous variant.
Genome position (GRCh38, 1-based): chr15:89,319,257, C>T on the plus strand (G>A on the coding strand, the complement: POLG is on the minus strand). VCF-style: chr15-89319257-C-T. GRCh37 (hg19) VCF-style: chr15-89862488-C-T.
Other names: c.3075G>A, p.Leu1025= (NM_001126131.2).
Identifiers: ClinVar variation 239380 (VCV000239380.43), dbSNP rs146404260, ClinGen allele CA7724261.

ClinVar aggregate classification (germline): Benign/Likely benign. Review status: criteria provided, multiple submitters, no conflicts (2 of 4 stars). 8 submissions from 8 submitters: Benign (1); Likely benign (7). Last evaluated 2026-08-01.

Conditions:
POLG-related disorder. Also called: POLG-related condition; POLG-Related Disorders; POLG-Related Spectrum Disorders. Identifiers: MedGen C4763519.
Progressive sclerosing poliodystrophy (MTDPS4A). Also called: Mitochondrial DNA Depletion Syndrome 4A; Alpers-Huttenlocher Syndrome (AHS); ALPERS PROGRESSIVE INFANTILE POLIODYSTROPHY; NEURONAL DEGENERATION OF CHILDHOOD WITH LIVER DISEASE, PROGRESSIVE; Alpers Syndrome; ALPERS DIFFUSE DEGENERATION OF CEREBRAL GRAY MATTER WITH HEPATIC CIRRHOSIS. Identifiers: Orphanet 726, MedGen C0205710, MONDO:0008758, OMIM 203700.
Mitochondrial DNA depletion syndrome 4b. Also called: Mitochondrial Neurogastrointestinal Encephalopathy Disease, POLG-Related; MNGIE, POLG-RELATED. Identifiers: Orphanet 298, MedGen C3150914, MONDO:0013350, OMIM 613662.
Sensory ataxic neuropathy, dysarthria, and ophthalmoparesis (SANDO). Also called: Ataxia Neuropathy Spectrum (ANS); Epilepsy, progressive myoclonic, type 5; SENSORY ATAXIC NEUROPATHY WITH MITOCHONDRIAL DNA DELETIONS, AUTOSOMAL RECESSIVE; Sensory ataxic neuropathy-dysarthria-ophthalmoparesis syndrome. Identifiers: Orphanet 70595, MedGen C1843851, MONDO:0011835, OMIM 607459.
Progressive external ophthalmoplegia with mitochondrial DNA deletions, autosomal dominant 1 (PEOA1). Also called: Autosomal Dominant Progressive External Ophthalmoplegia (adPEO); PROGRESSIVE EXTERNAL OPHTHALMOPLEGIA, AUTOSOMAL DOMINANT 1. Identifiers: MedGen C1834846, MONDO:0024528, OMIM 157640.
Progressive external ophthalmoplegia with mitochondrial DNA deletions, autosomal recessive 1 (PEOB1). Also called: Progressive external ophthalmoplegia, autosomal recessive 1; Autosomal Recessive Progressive External Ophthalmoplegia (arPEO). Identifiers: Orphanet 254886, MedGen C4225153, MONDO:0009783, OMIM 258450.

Allele frequency attached by ClinVar (database versions not stated): ExAC 0.00002; gnomAD exomes 0.00002 and 0.00003; TOPMed 0.00003; gnomAD 0.00007 and 0.00008; ESP Exome Variant Server 0.00008.
gnomAD v4.1: 58 of 1,614,104 alleles (0.0036%); highest among the groups gnomAD compares: Non-Finnish European, 0.0047%; no homozygotes.

Submissions (8):

CeGaT Center for Human Genetics Tuebingen
Classification: Likely benign. Last evaluated: 2026-08-01. Review status: criteria provided, single submitter. Criteria: CeGaT Center For Human Genetics Tuebingen Variant Classification Criteria Version 2. Collection method: clinical testing. Allele origin: germline. Affected: yes. Observed: 2 variant alleles.
Comment: POLG: BP4, BP7

PreventionGenetics, part of Exact Sciences
Classification: Likely benign for POLG-related condition. Last evaluated: 2026-02-05. Review status: criteria provided, single submitter. Criteria: ACMG Guidelines, 2015. Collection method: clinical testing. Allele origin: germline.
Comment: This variant is classified as likely benign based on ACMG/AMP sequence variant interpretation guidelines (Richards et al. 2015 PMID: 25741868, with internal and published modifications).

Labcorp Genetics (formerly Invitae), Labcorp
Classification: Likely benign for Progressive sclerosing poliodystrophy. Last evaluated: 2025-12-14. Review status: criteria provided, single submitter. Criteria: Invitae Variant Classification Sherloc (09022015). Collection method: clinical testing. Allele origin: germline.

Laboratory of Genetics, Children's Clinical University Hospital Latvia
Classification: Benign. Last evaluated: 2025-02-16. Review status: criteria provided, single submitter. Criteria: ACMG Guidelines, 2015. Collection method: clinical testing. Allele origin: germline. Affected: yes.

Blueprint Genetics
Classification: Likely benign. Last evaluated: 2024-04-18. Review status: criteria provided, single submitter. Criteria: ACMG Guidelines, 2015. Collection method: clinical testing. Allele origin: germline.

GeneDx
Classification: Likely benign. Last evaluated: 2019-04-02. Review status: criteria provided, single submitter. Criteria: GeneDx Variant Classification Process June 2021. Collection method: clinical testing. Allele origin: germline. Affected: yes.

Wong Mito Lab, Molecular and Human Genetics, Baylor College of Medicine
Classification: Likely benign for Progressive sclerosing poliodystrophy. Last evaluated: 2018-10-01. Review status: criteria provided, single submitter. Criteria: ACMG Guidelines, 2015. Collection method: clinical testing. Allele origin: germline.
Comment: The NM_002693.2:c.3075G>A (NP_002684.1:p.Leu1025=) [GRCH38: NC_000015.10:g.89319257C>T] variant in POLG gene is interpretated to be a Likely Benign based on ACMG guidelines (PMID: 25741868). This variant meets the following evidence codes reported in the ACMG-guideline. BP4:Computational evidence/predictors indicate no impact on the POLG structure, function, or protein-protein interaction. BP7:The variant is silent with non predicted splice impact. Based on the evidence criteria codes applied, the variant is suggested to be Likely Benign.

Center for Genomics, Ann and Robert H. Lurie Children's Hospital of Chicago
Classification: Likely benign for Sensory ataxic neuropathy, dysarthria, and ophthalmoparesis; Mitochondrial DNA depletion syndrome 4b; Progressive sclerosing poliodystrophy; Progressive external ophthalmoplegia with mitochondrial DNA deletions, autosomal dominant 1; Progressive external ophthalmoplegia with mitochondrial DNA deletions, autosomal recessive 1. Review status: criteria provided, single submitter. Criteria: ACMG Guidelines, 2015. Collection method: clinical testing. Allele origin: germline.
Comment: POLG NM_002693 exon 19 p.Leu1025Leu (c.3075G>A): This variant has not been reported in the literature but is present in 11/126672 European alleles in the Genome Aggregation Database. This variant is present in ClinVar (Variation ID:239380). Evolutionary conservation and computational predictive tools for this variant are limited or unavailable. Of note, this variant is a silent variant and does not change the amino acid, reducing the probability that this variant is disease causing. In summary, data on this variant is insufficient for disease classification. Therefore, the clinical significance of this variant is uncertain.